The following is an entry in ClinVar:

NM_033028.5(BBS4):c.1249-3_1259del

Gene: BBS4 (Bardet-Biedl syndrome 4; plus strand). Cytogenetic location: 15q24.1.
Variant type: Deletion.
Coding change: c.1249-3_1259del on transcript NM_033028.5 (MANE Select); 3 bases into the intron before coding-DNA position 1249 through coding-DNA position 1259, 14 bases deleted (AAGATGGTGGAGAT).
Molecular consequence: splice acceptor variant.
Genome position (GRCh38, 1-based): chr15:72,736,759-72,736,772, AAGATGGTGGAGAT deleted. VCF-style (leftmost placement, unchanged base first): chr15-72736758-CAAGATGGTGGAGAT-C. GRCh37 (hg19) VCF-style: chr15-73029099-CAAGATGGTGGAGAT-C.
Other names: c.1180-3_1190del (NM_001320665.2); c.733-3_743del (NM_001252678.2).
Identifiers: ClinVar variation 2748080 (VCV002748080.3), dbSNP rs2065932064, ClinGen allele CA971353254.

ClinVar aggregate classification (germline): Likely pathogenic (1 of 4 stars; one submission).

Conditions:
Bardet-Biedl syndrome (BBS). Identifiers: Orphanet 110, MedGen C0752166, MONDO:0015229.

Allele frequency attached by ClinVar (database versions not stated): TOPMed below 0.00001; gnomAD 0.00001.

Submission:

Labcorp Genetics (formerly Invitae), Labcorp
Classification: Likely pathogenic for Bardet-Biedl syndrome. Last evaluated: 2023-07-29. Review status: criteria provided, single submitter. Criteria: Invitae Variant Classification Sherloc (09022015). Collection method: clinical testing. Allele origin: germline.
Comment: In summary, the currently available evidence indicates that the variant is pathogenic, but additional data are needed to prove that conclusively. Therefore, this variant has been classified as Likely Pathogenic. Algorithms developed to predict the effect of sequence changes on RNA splicing suggest that this variant may disrupt the consensus splice site. This variant has not been reported in the literature in individuals affected with BBS4-related conditions. This variant is not present in population databases (gnomAD no frequency). This variant results in the deletion of part of exon 15 (c.1249-3_1259del) of the BBS4 gene. It is expected to disrupt RNA splicing. Variants that disrupt the donor or acceptor splice site typically lead to a loss of protein function (PMID: 16199547), and loss-of-function variants in BBS4 are known to be pathogenic (PMID: 11381270, 12016587, 20177705, 27894351).

Literature cited by the submitters: PubMed 16199547; PubMed 11381270; PubMed 12016587; PubMed 20177705; PubMed 27894351.